The following is an entry in ClinVar:

ClinVar aggregate classification (germline): Uncertain significance (0 of 4 stars; one submission).

Conditions:
Bardet-Biedl syndrome (BBS). Identifiers: Orphanet 110, MedGen C0752166, MONDO:0015229.

Allele frequency attached by ClinVar (database versions not stated): gnomAD 0.00001.

Submission:

Sydney Genome Diagnostics, Children's Hospital Westmead
Classification: Uncertain significance for Bardet-Biedl syndrome. Last evaluated: 2019-04-30. Review status: no assertion criteria provided. Collection method: clinical testing. Allele origin: unknown. Affected: yes. Observed: 1 variant allele, 1 heterozygote.
Comment: The variant has not been reported in any population databases (i.e. gnomAD, ExAC, ESP or dbSNP). To our knowledge, this variant has not been previously reported in the literature or any disease specific databases. In silico analysis of pathogenicity (through Alamut Visual v2.8.1) using PolyPhen2, SIFT and MutationTaster all suggest that this variant is likely to be pathogenic. However, this analysis alone cannot be used to confirm pathogenicity. This variant is considered to be a variant of uncertain clinical significance (VOUS) according to the ACMG guidelines (Evidence used: PM2, PP3).

NM_025132.4(WDR19):c.3526C>T (p.Leu1176Phe)

Gene: WDR19 (WD repeat domain 19; plus strand). Cytogenetic location: 4p14.
Variant type: single nucleotide variant.
Coding change: c.3526C>T on transcript NM_025132.4 (MANE Select); coding-DNA position 3526, C replaced by T.
Protein change: p.Leu1176Phe; replaces leucine 1176 with phenylalanine.
Molecular consequence: missense variant.
Genome position (GRCh38, 1-based): chr4:39,273,022, C>T. VCF-style: chr4-39273022-C-T. GRCh37 (hg19) VCF-style: chr4-39274642-C-T.
Other names: c.3046C>T, p.Leu1016Phe (NM_001317924.2); short protein forms L1016F, L1176F.
Identifiers: ClinVar variation 988209 (VCV000988209.1), dbSNP rs1735527919, ClinGen allele CA356647364.